The following is an entry in ClinVar:

ClinVar aggregate classification (germline): Likely benign. Review status: criteria provided, multiple submitters, no conflicts (2 of 4 stars). 3 submissions from 3 submitters: Likely benign (3). Last evaluated 2024-04-04.

Conditions:
Cardiovascular phenotype. Identifiers: MedGen CN230736.

Allele frequency attached by ClinVar (database versions not stated): TOPMed 0.00001.
gnomAD v4.1: 11 of 1,539,958 alleles (0.00071%); highest among the groups gnomAD compares: Non-Finnish European, 0.00097%; no homozygotes.

Submissions (3):

Ambry Genetics
Classification: Likely benign for Cardiovascular phenotype. Last evaluated: 2024-04-04. Review status: criteria provided, single submitter. Criteria: Ambry Variant Classification Scheme 2023. Collection method: clinical testing. Allele origin: germline.

Labcorp Genetics (formerly Invitae), Labcorp
Classification: Likely benign. Last evaluated: 2023-11-10. Review status: criteria provided, single submitter. Criteria: Invitae Variant Classification Sherloc (09022015). Collection method: clinical testing. Allele origin: germline.

GeneDx
Classification: Likely benign. Last evaluated: 2018-02-12. Review status: criteria provided, single submitter. Criteria: GeneDx Variant Classification (06012015). Collection method: clinical testing. Allele origin: germline. Affected: yes.
Comment: This variant is considered likely benign or benign based on one or more of the following criteria: it is a conservative change, it occurs at a poorly conserved position in the protein, it is predicted to be benign by multiple in silico algorithms, and/or has population frequency not consistent with disease.

NM_001367624.2(ZNF469):c.10377G>C (p.Pro3459=)

Gene: ZNF469 (zinc finger protein 469; plus strand). Cytogenetic location: 16q24.2.
Variant type: single nucleotide variant.
Coding change: c.10377G>C on transcript NM_001367624.2 (MANE Select); coding-DNA position 10377, G replaced by C.
Protein change: p.Pro3459=; no amino-acid change (proline 3459 retained).
Molecular consequence: synonymous variant.
Genome position (GRCh38, 1-based): chr16:88,437,847, G>C. VCF-style: chr16-88437847-G-C. GRCh37 (hg19) VCF-style: chr16-88504255-G-C.
Other names: NM_001127464.1:c.10293G>C.
Identifiers: ClinVar variation 515474 (VCV000515474.5), dbSNP rs910515287, ClinGen allele CA497359030.